The following is an entry in ClinVar:

NM_001009944.3(PKD1):c.4677G>A (p.Val1559=)

Gene: PKD1 (polycystin 1, transient receptor potential channel interacting; minus strand). Cytogenetic location: 16p13.3.
Variant type: single nucleotide variant.
Coding change: c.4677G>A on transcript NM_001009944.3 (MANE Select); coding-DNA position 4677, G replaced by A.
Protein change: p.Val1559=; no amino-acid change (valine 1559 retained).
Molecular consequence: synonymous variant.
Genome position (GRCh38, 1-based): chr16:2,110,490, C>T on the plus strand (G>A on the coding strand, the complement: PKD1 is on the minus strand). VCF-style: chr16-2110490-C-T. GRCh37 (hg19) VCF-style: chr16-2160491-C-T.
Other names: c.4677G>A, p.Val1559= (NM_000296.4).
Identifiers: ClinVar variation 3355450 (VCV003355450.2).

ClinVar aggregate classification (germline): Likely benign. Review status: criteria provided, single submitter (1 of 4 stars). 2 submissions from 2 submitters: Likely benign (1). 1 of the submissions does not count toward it. Last evaluated 2026-05-15.

Conditions:
PKD1-related disorder. Also called: PKD1-related condition.

gnomAD v4.1: 83 of 1,612,396 alleles (0.0051%); highest among the groups gnomAD compares: South Asian, 0.064%; 1 homozygote.

Submissions (2):

Women's Health and Genetics/Laboratory Corporation of America, LabCorp
Classification: Likely benign. Last evaluated: 2026-05-15. Review status: criteria provided, single submitter. Criteria: LabCorp Variant Classification Summary - May 2015. Collection method: clinical testing. Allele origin: germline.

PreventionGenetics, part of Exact Sciences
Classification: Likely benign for PKD1-related condition. Last evaluated: 2024-09-09. Review status: no assertion criteria provided. Collection method: clinical testing. Allele origin: germline. Not counted in ClinVar's aggregate classification.
Comment: This variant is classified as likely benign based on ACMG/AMP sequence variant interpretation guidelines (Richards et al. 2015 PMID: 25741868, with internal and published modifications).